The following is an entry in ClinVar:

NM_006662.3(SRCAP):c.560A>G (p.Glu187Gly)

Gene: SRCAP (Snf2 related CREBBP activator protein; plus strand). Cytogenetic location: 16p11.2.
Variant type: single nucleotide variant.
Coding change: c.560A>G on transcript NM_006662.3 (MANE Select); coding-DNA position 560, A replaced by G.
Protein change: p.Glu187Gly; replaces glutamic acid 187 with glycine.
Molecular consequence: missense variant.
Genome position (GRCh38, 1-based): chr16:30,707,639, A>G. VCF-style: chr16-30707639-A-G. GRCh37 (hg19) VCF-style: chr16-30718960-A-G.
Other names: c.560A>G (NM_006662.2); short protein forms E187G.
Identifiers: ClinVar variation 2167646 (VCV002167646.6), dbSNP rs750129041, ClinGen allele CA8010706.

ClinVar aggregate classification (germline): Uncertain significance. Review status: criteria provided, multiple submitters, no conflicts (2 of 4 stars). 4 submissions from 4 submitters: Uncertain significance (4). Last evaluated 2025-04-01.

Conditions:
Developmental delay, hypotonia, musculoskeletal defects, and behavioral abnormalities. Identifiers: MedGen C5562012, MONDO:0859202, OMIM 619595.
Floating-Harbor syndrome (FLHS). Also called: Short stature with delayed bone age, expressive language delay, a triangular face with a prominent nose and deep-set eyes; Pelletier-Leisti syndrome; SRCAP-Related Floating-Harbor Syndrome. Identifiers: Orphanet 2044, MedGen C0729582, MONDO:0007621, OMIM 136140.
Inborn genetic diseases. Identifiers: MedGen C0950123, MeSH D030342.

Allele frequency attached by ClinVar (database versions not stated): ExAC 0.00001; gnomAD exomes 0.00001; gnomAD 0.00004; TOPMed 0.00007.
gnomAD v4.1: 10 of 1,613,916 alleles (0.00062%); highest among the groups gnomAD compares: Admixed American, 0.017%; no homozygotes.

Submissions (4):

Ambry Genetics
Classification: Uncertain significance for Inborn genetic diseases. Last evaluated: 2025-04-01. Review status: criteria provided, single submitter. Criteria: Ambry Variant Classification Scheme 2023. Collection method: clinical testing. Allele origin: germline.

Women's Health and Genetics/Laboratory Corporation of America, LabCorp
Classification: Uncertain significance. Last evaluated: 2024-12-19. Review status: criteria provided, single submitter. Criteria: LabCorp Variant Classification Summary - May 2015. Collection method: clinical testing. Allele origin: germline.
Comment: Variant summary: SRCAP c.560A>G (p.Glu187Gly) results in a non-conservative amino acid change located in the domain in helicases and associated with SANT domains (IPR014012) of the encoded protein sequence. Five of five in-silico tools predict a damaging effect of the variant on protein function. The variant allele was found at a frequency of 8e-06 in 251442 control chromosomes. The available data on variant occurrences in the general population are insufficient to allow any conclusion about variant significance. To our knowledge, no occurrence of c.560A>G in individuals affected with Floating-Harbor Syndrome and no experimental evidence demonstrating its impact on protein function have been reported. ClinVar contains an entry for this variant (Variation ID: 2167646). Based on the evidence outlined above, the variant was classified as uncertain significance.

Labcorp Genetics (formerly Invitae), Labcorp
Classification: Uncertain significance. Last evaluated: 2024-09-27. Review status: criteria provided, single submitter. Criteria: Invitae Variant Classification Sherloc (09022015). Collection method: clinical testing. Allele origin: germline.
Comment: This sequence change replaces glutamic acid, which is acidic and polar, with glycine, which is neutral and non-polar, at codon 187 of the SRCAP protein (p.Glu187Gly). This variant is present in population databases (rs750129041, gnomAD 0.009%). This variant has not been reported in the literature in individuals affected with SRCAP-related conditions. ClinVar contains an entry for this variant (Variation ID: 2167646). Invitae Evidence Modeling of protein sequence and biophysical properties (such as structural, functional, and spatial information, amino acid conservation, physicochemical variation, residue mobility, and thermodynamic stability) has been performed for this missense variant. However, the output from this modeling did not meet the statistical confidence thresholds required to predict the impact of this variant on SRCAP protein function. In summary, the available evidence is currently insufficient to determine the role of this variant in disease. Therefore, it has been classified as a Variant of Uncertain Significance.

Fulgent Genetics
Classification: Uncertain significance for Floating-Harbor syndrome; Developmental delay, hypotonia, musculoskeletal defects, and behavioral abnormalities. Last evaluated: 2024-02-06. Review status: criteria provided, single submitter. Criteria: ACMG Guidelines, 2015. Collection method: clinical testing. Allele origin: germline.